The following is an entry in ClinVar:

ClinVar aggregate classification (germline): Uncertain significance (1 of 4 stars; one submission).

Conditions:
Atypical glycine encephalopathy. Also called: Glycine encephalopathy with normal serum glycine. Identifiers: Orphanet 289863, MedGen C4310943, MONDO:0015010, OMIM 617301.

Allele frequency attached by ClinVar (database versions not stated): TOPMed below 0.00001; gnomAD 0.00001.
gnomAD v4.1: 4 of 1,609,290 alleles (0.00025%); highest among the groups gnomAD compares: African/African-American, 0.0027%; no homozygotes.

Submission:

Labcorp Genetics (formerly Invitae), Labcorp
Classification: Uncertain significance for Atypical glycine encephalopathy. Last evaluated: 2022-07-19. Review status: criteria provided, single submitter. Criteria: Invitae Variant Classification Sherloc (09022015). Collection method: clinical testing. Allele origin: germline.
Comment: In summary, the available evidence is currently insufficient to determine the role of this variant in disease. Therefore, it has been classified as a Variant of Uncertain Significance. Algorithms developed to predict the effect of missense changes on protein structure and function (SIFT, PolyPhen-2, Align-GVGD) all suggest that this variant is likely to be tolerated. ClinVar contains an entry for this variant (Variation ID: 1396495). This variant has not been reported in the literature in individuals affected with SLC6A9-related conditions. This variant is present in population databases (no rsID available, gnomAD 0.01%). This sequence change replaces threonine, which is neutral and polar, with asparagine, which is neutral and polar, at codon 639 of the SLC6A9 protein (p.Thr639Asn).

NM_001024845.3(SLC6A9):c.1697C>A (p.Thr566Asn)

Gene: SLC6A9 (solute carrier family 6 member 9; minus strand). Cytogenetic location: 1p34.1.
Variant type: single nucleotide variant.
Coding change: c.1697C>A on transcript NM_001024845.3 (MANE Select); coding-DNA position 1697, C replaced by A.
Protein change: p.Thr566Asn; replaces threonine 566 with asparagine.
Molecular consequence: missense variant. On other transcripts: intron variant (1), non-coding transcript variant (1).
Genome position (GRCh38, 1-based): chr1:43,997,865, G>T on the plus strand (C>A on the coding strand, the complement: SLC6A9 is on the minus strand). VCF-style: chr1-43997865-G-T. GRCh37 (hg19) VCF-style: chr1-44463537-G-T.
Other names: c.1204-126C>A (NM_001328630.2); c.1634C>A, p.Thr545Asn (NM_001328627.1); c.1502C>A, p.Thr501Asn (NM_001328628.1); c.1697C>A, p.Thr566Asn (NM_001328629.1); c.1754C>A, p.Thr585Asn (NM_006934.4); c.1916C>A, p.Thr639Asn (NM_201649.4); c.1709C>A, p.Thr570Asn (NM_001261380.2); c.1364C>A, p.Thr455Asn (NM_001328626.2); short protein forms T566N, T639N, T455N, T501N, T570N, T585N, T545N.
Identifiers: ClinVar variation 1396495 (VCV001396495.6), dbSNP rs1331993313, ClinGen allele CA340066585.
Genomic context (GRCh38, chr1:43,997,865, plus strand): 5'-AGCTGGCCCCTCCCATTTTGCCTGGCTACCCAGCCTGTCCCTGCCCTCACCTGGAGGAGG[G>T]TGTCCCCGTCTGTGCGGCAGAGCCGGAACATGGCGTAGAGGGGGATGCAGAGGACGGAGG-3'
Protein context (NP_001020016.1, residues 556-576): MFRLCRTDGD[Thr566Asn]LLQRLKNATK